The following is an entry in ClinVar:

ClinVar aggregate classification (germline): Benign. Review status: criteria provided, multiple submitters, no conflicts (2 of 4 stars). 3 submissions from 3 submitters: Benign (2). 1 of the submissions does not count toward it. Last evaluated 2026-01-20.

Conditions:
POP1-related disorder. Also called: POP1-related condition.

Allele frequency attached by ClinVar (database versions not stated): gnomAD exomes 0.00372; ExAC 0.00436; gnomAD 0.01418 and 0.01514; ESP Exome Variant Server 0.01445; TOPMed 0.01608; 1000 Genomes Project 0.01917; 1000 Genomes Project 30x 0.01921.
gnomAD v4.1: 4,276 of 1,613,940 alleles (0.26%); highest among the groups gnomAD compares: African/African-American, 5.1%; 103 homozygotes.

Submissions (3):

Labcorp Genetics (formerly Invitae), Labcorp
Classification: Benign. Last evaluated: 2026-01-20. Review status: criteria provided, single submitter. Criteria: Invitae Variant Classification Sherloc (09022015). Collection method: clinical testing. Allele origin: germline.

Breakthrough Genomics
Classification: Benign. Review status: criteria provided, single submitter. Criteria: ACMG Guidelines, 2015. Collection method: not provided. Allele origin: germline. Inheritance: Autosomal recessive inheritance. Affected: yes.

PreventionGenetics, part of Exact Sciences
Classification: Benign for POP1-related condition. Last evaluated: 2019-07-30. Review status: no assertion criteria provided. Collection method: clinical testing. Allele origin: germline. Not counted in ClinVar's aggregate classification.
Comment: This variant is classified as benign based on ACMG/AMP sequence variant interpretation guidelines (Richards et al. 2015 PMID: 25741868, with internal and published modifications).

NM_001145860.2(POP1):c.1128T>A (p.Pro376=)

Gene: POP1 (POP1 ribonuclease P/MRP subunit; plus strand). Cytogenetic location: 8q22.2.
Variant type: single nucleotide variant.
Coding change: c.1128T>A on transcript NM_001145860.2 (MANE Select); coding-DNA position 1128, T replaced by A.
Protein change: p.Pro376=; no amino-acid change (proline 376 retained).
Molecular consequence: synonymous variant.
Genome position (GRCh38, 1-based): chr8:98,136,598, T>A. VCF-style: chr8-98136598-T-A. GRCh37 (hg19) VCF-style: chr8-99148826-T-A.
Other names: c.1128T>A, p.Pro376= (NM_001145861.2, NM_015029.3).
Identifiers: ClinVar variation 778945 (VCV000778945.13), dbSNP rs62639698, ClinGen allele CA4820497.